The following is an entry in ClinVar:

ClinVar aggregate classification (germline): Uncertain significance (1 of 4 stars; one submission).

Conditions:
Hereditary spastic paraplegia 62. Also called: Spastic paraplegia 62, autosomal recessive. Identifiers: Orphanet 401785, MedGen C4284588, MONDO:0014302, OMIM 615681.

Allele frequency attached by ClinVar (database versions not stated): TOPMed below 0.00001.

Submission:

Labcorp Genetics (formerly Invitae), Labcorp
Classification: Uncertain significance for Hereditary spastic paraplegia 62. Last evaluated: 2022-01-27. Review status: criteria provided, single submitter. Criteria: Invitae Variant Classification Sherloc (09022015). Collection method: clinical testing. Allele origin: germline.
Comment: This sequence change replaces isoleucine, which is neutral and non-polar, with valine, which is neutral and non-polar, at codon 303 of the ERLIN1 protein (p.Ile303Val). In summary, the available evidence is currently insufficient to determine the role of this variant in disease. Therefore, it has been classified as a Variant of Uncertain Significance. Algorithms developed to predict the effect of missense changes on protein structure and function are either unavailable or do not agree on the potential impact of this missense change (SIFT: "Deleterious"; PolyPhen-2: "Benign"; Align-GVGD: "Class C0"). This variant has not been reported in the literature in individuals affected with ERLIN1-related conditions. This variant is not present in population databases (gnomAD no frequency).

NM_006459.4(ERLIN1):c.907A>G (p.Ile303Val)

Gene: ERLIN1 (ER lipid raft associated 1; minus strand). Cytogenetic location: 10q24.31.
Variant type: single nucleotide variant.
Coding change: c.907A>G on transcript NM_006459.4 (MANE Select); coding-DNA position 907, A replaced by G.
Protein change: p.Ile303Val; replaces isoleucine 303 with valine.
Molecular consequence: missense variant. On other transcripts: non-coding transcript variant (6).
Genome position (GRCh38, 1-based): chr10:100,152,271, T>C on the plus strand (A>G on the coding strand, the complement: ERLIN1 is on the minus strand). VCF-style: chr10-100152271-T-C. GRCh37 (hg19) VCF-style: chr10-101912028-T-C.
Other names: c.907A>G, p.Ile303Val (NM_001100626.2, NM_001347857.2, NM_001347859.2 and 2 more transcripts); c.655A>G, p.Ile219Val (NM_001347856.2); c.427A>G, p.Ile143Val (NM_001347858.2); short protein forms I143V, I303V, I219V.
Identifiers: ClinVar variation 2088035 (VCV002088035.4), dbSNP rs1266929438, ClinGen allele CA378150275.
Genomic context (GRCh38, chr10:100,152,271, plus strand): 5'-TTCCAGTCCTAATATCTGAATATTTCAAAGCACATGAGGAGTCCACGAACATGTTAGGGA[T>C]GTTGCTGCCAAAATAGATCTTACTGTTAGAAGCAATGGCCTGGTACTTTTTGAGCTCCAG-3'
Protein context (NP_006450.2, residues 293-313): SNSKIYFGSN[Ile303Val]PNMFVDSSCA